The following is an entry in ClinVar:

ClinVar aggregate classification (germline): Uncertain significance. Review status: criteria provided, multiple submitters, no conflicts (2 of 4 stars). 3 submissions from 3 submitters: Uncertain significance (3). Last evaluated 2023-10-05.

Conditions:
Inborn genetic diseases. Identifiers: MedGen C0950123, MeSH D030342.

gnomAD v4.1: 26 of 1,613,054 alleles (0.0016%); highest among the groups gnomAD compares: East Asian, 0.0022%; no homozygotes.

Submissions (3):

Ambry Genetics
Classification: Uncertain significance for Inborn genetic diseases. Last evaluated: 2023-10-05. Review status: criteria provided, single submitter. Criteria: Ambry Variant Classification Scheme 2023. Collection method: clinical testing. Allele origin: germline.

Blueprint Genetics
Classification: Uncertain significance. Last evaluated: 2023-01-11. Review status: criteria provided, single submitter. Criteria: ACMG Guidelines, 2015. Collection method: clinical testing. Allele origin: germline.

Labcorp Genetics (formerly Invitae), Labcorp
Classification: Uncertain significance. Last evaluated: 2021-12-02. Review status: criteria provided, single submitter. Criteria: Invitae Variant Classification Sherloc (09022015). Collection method: clinical testing. Allele origin: germline.
Comment: This sequence change replaces proline, which is neutral and non-polar, with threonine, which is neutral and polar, at codon 126 of the C7 protein (p.Pro126Thr). This variant is present in population databases (rs368083143, gnomAD 0.003%). This variant has not been reported in the literature in individuals affected with C7-related conditions. Algorithms developed to predict the effect of missense changes on protein structure and function output the following: SIFT: "Tolerated"; PolyPhen-2: "Benign"; Align-GVGD: "Class C0". The threonine amino acid residue is found in multiple mammalian species, which suggests that this missense change does not adversely affect protein function. In summary, the available evidence is currently insufficient to determine the role of this variant in disease. Therefore, it has been classified as a Variant of Uncertain Significance.

NM_000587.4(C7):c.376C>A (p.Pro126Thr)

Gene: C7 (complement C7; plus strand). Cytogenetic location: 5p13.1.
Variant type: single nucleotide variant.
Coding change: c.376C>A on transcript NM_000587.4 (MANE Select); coding-DNA position 376, C replaced by A.
Protein change: p.Pro126Thr; replaces proline 126 with threonine.
Molecular consequence: missense variant.
Genome position (GRCh38, 1-based): chr5:40,936,433, C>A. VCF-style: chr5-40936433-C-A. GRCh37 (hg19) VCF-style: chr5-40936535-C-A.
Other names: c.376C>A (NM_000587.2); short protein forms P126T.
Identifiers: ClinVar variation 1351194 (VCV001351194.5), dbSNP rs368083143, ClinGen allele CA3249617.